The following is an entry in ClinVar:

NM_000051.4(ATM):c.4525T>C (p.Cys1509Arg)

Gene: ATM (ATM serine/threonine kinase; plus strand). Cytogenetic location: 11q22.3.
Variant type: single nucleotide variant.
Coding change: c.4525T>C on transcript NM_000051.4 (MANE Select); coding-DNA position 4525, T replaced by C.
Protein change: p.Cys1509Arg; replaces cysteine 1509 with arginine.
Molecular consequence: missense variant.
Genome position (GRCh38, 1-based): chr11:108,292,707, T>C. VCF-style: chr11-108292707-T-C. GRCh37 (hg19) VCF-style: chr11-108163434-T-C.
Other names: c.4525T>C, p.Cys1509Arg (NM_001351834.2); short protein forms C1509R.
Identifiers: ClinVar variation 422123 (VCV000422123.15), dbSNP rs1064795574, ClinGen allele CA16619184.
Genomic context (GRCh38, chr11:108,292,707, plus strand): 5'-CGTAGCTTCTCCCTTTGTTGTGACTTATTAAGTCAGGTTTGCCAGACAGCCGTGACTTAC[T>C]GTAAGGATGCTCTAGAAAACCATCTTCATGTTATTGTTGGTACACTTATACCCCTTGTGT-3'
Protein context (NP_000042.3, residues 1499-1519): SQVCQTAVTY[Cys1509Arg]KDALENHLHV

ClinVar aggregate classification (germline): Uncertain significance. Review status: criteria provided, multiple submitters, no conflicts (2 of 4 stars). 3 submissions from 3 submitters: Uncertain significance (3). Last evaluated 2025-12-23.

Conditions:
Hereditary cancer-predisposing syndrome. Also called: Hereditary neoplastic syndrome; Hereditary Cancer Syndrome; Neoplastic Syndromes, Hereditary; Tumor predisposition. Identifiers: Orphanet 140162, MedGen C0027672, MeSH D009386, MONDO:0015356.
Ataxia-telangiectasia syndrome (AT). Also called: Ataxia-telangiectasia, complementation group D; Cerebello-oculocutaneous telangiectasia; Immunodeficiency with ataxia telangiectasia; ATAXIA-TELANGIECTASIA, COMPLEMENTATION GROUP A; ATAXIA-TELANGIECTASIA, FRESNO VARIANT; LOUIS-BAR SYNDROME. Identifiers: Orphanet 100, MedGen C0004135, MONDO:0008840, OMIM 208900.

Allele frequency attached by ClinVar (database versions not stated): TOPMed below 0.00001.

Submissions (3):

Labcorp Genetics (formerly Invitae), Labcorp
Classification: Uncertain significance for Ataxia-telangiectasia syndrome. Last evaluated: 2025-12-23. Review status: criteria provided, single submitter. Criteria: Invitae Variant Classification Sherloc (09022015). Collection method: clinical testing. Allele origin: germline.
Comment: This sequence change replaces cysteine, which is neutral and slightly polar, with arginine, which is basic and polar, at codon 1509 of the ATM protein (p.Cys1509Arg). This variant is not present in population databases (gnomAD no frequency). This variant has not been reported in the literature in individuals affected with ATM-related conditions. ClinVar contains an entry for this variant (Variation ID: 422123). Invitae Evidence Modeling of protein sequence and biophysical properties (such as structural, functional, and spatial information, amino acid conservation, physicochemical variation, residue mobility, and thermodynamic stability) has been performed for this missense variant. However, the output from this modeling did not meet the statistical confidence thresholds required to predict the impact of this variant on ATM protein function. In summary, the available evidence is currently insufficient to determine the role of this variant in disease. Therefore, it has been classified as a Variant of Uncertain Significance.

Ambry Genetics
Classification: Uncertain significance for Hereditary cancer-predisposing syndrome. Last evaluated: 2024-12-18. Review status: criteria provided, single submitter. Criteria: Ambry Variant Classification Scheme 2023. Collection method: clinical testing. Allele origin: germline.
Comment: The p.C1509R variant (also known as c.4525T>C), located in coding exon 29 of the ATM gene, results from a T to C substitution at nucleotide position 4525. The cysteine at codon 1509 is replaced by arginine, an amino acid with highly dissimilar properties. This amino acid position is highly conserved in available vertebrate species. In addition, this alteration is predicted to be deleterious by in silico analysis. Based on the available evidence, the clinical significance of this variant remains unclear.

GeneDx
Classification: Uncertain significance. Last evaluated: 2016-08-29. Review status: criteria provided, single submitter. Criteria: GeneDx Variant Classification (06012015). Collection method: clinical testing. Allele origin: germline. Affected: yes.
Comment: This variant is denoted ATM c.4525T>C at the cDNA level, p.Cys1509Arg (C1509R) at the protein level, and results in the change of a Cysteine to an Arginine (TGT>CGT). This variant has not, to our knowledge, been published in the literature as pathogenic or benign. ATM Cys1509Arg was not observed in approximately 6,500 individuals of European and African American ancestry in the NHLBI Exome Sequencing Project, suggesting it is not a common benign variant in these populations. Since Cysteine and Arginine differ in polarity, charge, size or other properties, this is considered a non-conservative amino acid substitution. ATM Cys1509Arg occurs at a position that is conserved across species and is not located in a known functional domain (Tavtigian 2009, Stracker 2013). In silico analyses predict that this variant is probably damaging to protein structure and function. Based on currently available evidence, it is unclear whether ATM Cys1509Arg is a pathogenic or benign variant. We consider it to be a variant of uncertain significance.